The following is an entry in ClinVar:

ClinVar aggregate classification (germline): Benign (1 of 4 stars; one submission).

Conditions:
Thyroid hormone resistance, generalized, autosomal dominant (GRTHD). Also called: HYPERTHYROXINEMIA, FAMILIAL EUTHYROID, SECONDARY TO PITUITARY AND PERIPHERAL RESISTANCE TO THYROID HORMONES. Identifiers: MedGen C2937288, MONDO:0008569, OMIM 188570.

Allele frequency attached by ClinVar (database versions not stated): 1000 Genomes Project 30x 0.00187; gnomAD 0.00196 and 0.00207; 1000 Genomes Project 0.00220; TOPMed 0.00220.

Submission:

Illumina Laboratory Services, Illumina
Classification: Benign for Thyroid hormone resistance, generalized, autosomal dominant. Last evaluated: 2018-01-13. Review status: criteria provided, single submitter. Criteria: ICSL Variant Classification Criteria 13 December 2019. Collection method: clinical testing. Allele origin: germline.
Comment: This variant was observed in the ICSL laboratory as part of a predisposition screen in an ostensibly healthy population. It had not been previously curated by ICSL or reported in the Human Gene Mutation Database (HGMD: prior to June 1st, 2018), and was therefore a candidate for classification through an automated scoring system. Utilizing variant allele frequency, disease prevalence and penetrance estimates, and inheritance mode, an automated score was calculated to assess if this variant is too frequent to cause the disease. Based on the score and internal cut-off values, a variant classified as benign is not then subjected to further curation. The score for this variant resulted in a classification of benign for this disease.

NM_001354712.2(THRB):c.*2786G>T

Gene: THRB (thyroid hormone receptor beta; minus strand). Cytogenetic location: 3p24.2.
Variant type: single nucleotide variant.
Coding change: c.*2786G>T on transcript NM_001354712.2 (MANE Select); 2786 bases downstream of the stop codon, G replaced by T.
Molecular consequence: 3 prime UTR variant.
Genome position (GRCh38, 1-based): chr3:24,120,098, C>A on the plus strand (G>T on the coding strand, the complement: THRB is on the minus strand). VCF-style: chr3-24120098-C-A. GRCh37 (hg19) VCF-style: chr3-24161589-C-A.
Other names: c.*2786G>T (NM_000461.5, NM_001128176.3, NM_001128177.2 and 8 more transcripts).
Identifiers: ClinVar variation 344585 (VCV000344585.5), dbSNP rs143575270, ClinGen allele CA10617949.